The following is an entry in ClinVar:

NM_019842.4(KCNQ5):c.1525G>A (p.Val509Ile)

Gene: KCNQ5 (potassium voltage-gated channel subfamily Q member 5; plus strand). Cytogenetic location: 6q13.
Variant type: single nucleotide variant.
Coding change: c.1525G>A on transcript NM_019842.4 (MANE Select); coding-DNA position 1525, G replaced by A.
Protein change: p.Val509Ile; replaces valine 509 with isoleucine.
Molecular consequence: missense variant. On other transcripts: intron variant (1).
Genome position (GRCh38, 1-based): chr6:73,169,802, G>A. VCF-style: chr6-73169802-G-A. GRCh37 (hg19) VCF-style: chr6-73879525-G-A.
Other names: c.1498G>A, p.Val500Ile (NM_001160130.2); c.1555G>A, p.Val519Ile (NM_001160132.2); c.1582G>A, p.Val528Ile (NM_001160133.2); c.1248-20771G>A (NM_001160134.2); short protein forms V509I, V519I, V500I, V528I.
Identifiers: ClinVar variation 2366588 (VCV002366588.5), dbSNP rs2533867067, ClinGen allele CA364691392.

ClinVar aggregate classification (germline): Uncertain significance. Review status: criteria provided, multiple submitters, no conflicts (2 of 4 stars). 2 submissions from 2 submitters: Uncertain significance (2). Last evaluated 2023-03-21.

Conditions:
Inborn genetic diseases. Identifiers: MedGen C0950123, MeSH D030342.

Allele frequency attached by ClinVar (database versions not stated): gnomAD exomes below 0.00001.

Submissions (2):

Labcorp Genetics (formerly Invitae), Labcorp
Classification: Uncertain significance. Last evaluated: 2023-03-21. Review status: criteria provided, single submitter. Criteria: Invitae Variant Classification Sherloc (09022015). Collection method: clinical testing. Allele origin: germline.
Comment: This sequence change replaces valine, which is neutral and non-polar, with isoleucine, which is neutral and non-polar, at codon 528 of the KCNQ5 protein (p.Val528Ile). This variant is not present in population databases (gnomAD no frequency). This variant has not been reported in the literature in individuals affected with KCNQ5-related conditions. ClinVar contains an entry for this variant (Variation ID: 2366588). Advanced modeling of protein sequence and biophysical properties (such as structural, functional, and spatial information, amino acid conservation, physicochemical variation, residue mobility, and thermodynamic stability) performed at Invitae indicates that this missense variant is not expected to disrupt KCNQ5 protein function. In summary, the available evidence is currently insufficient to determine the role of this variant in disease. Therefore, it has been classified as a Variant of Uncertain Significance.

Ambry Genetics
Classification: Uncertain significance for Inborn genetic diseases. Last evaluated: 2021-08-11. Review status: criteria provided, single submitter. Criteria: Ambry Variant Classification Scheme 2023. Collection method: clinical testing. Allele origin: germline.